The following is an entry in ClinVar:

ClinVar aggregate classification (germline): Uncertain significance (1 of 4 stars; one submission).

Conditions:
Hereditary cancer-predisposing syndrome. Also called: Hereditary neoplastic syndrome; Hereditary Cancer Syndrome; Neoplastic Syndromes, Hereditary; Tumor predisposition. Identifiers: Orphanet 140162, MedGen C0027672, MeSH D009386, MONDO:0015356.

Submission:

Ambry Genetics
Classification: Uncertain significance for Hereditary cancer-predisposing syndrome. Last evaluated: 2023-04-30. Review status: criteria provided, single submitter. Criteria: Ambry Variant Classification Scheme 2023. Collection method: clinical testing. Allele origin: germline.
Comment: The p.K127E variant (also known as c.379A>G), located in coding exon 3 of the KIT gene, results from an A to G substitution at nucleotide position 379. The lysine at codon 127 is replaced by glutamic acid, an amino acid with similar properties. This amino acid position is conserved. In addition, the in silico prediction for this alteration is inconclusive. Since supporting evidence is limited at this time, the clinical significance of this alteration remains unclear.

NM_000222.3(KIT):c.379A>G (p.Lys127Glu)

Gene: KIT (KIT proto-oncogene, receptor tyrosine kinase; plus strand). Cytogenetic location: 4q12.
Variant type: single nucleotide variant.
Coding change: c.379A>G on transcript NM_000222.3 (MANE Select); coding-DNA position 379, A replaced by G.
Protein change: p.Lys127Glu; replaces lysine 127 with glutamic acid.
Molecular consequence: missense variant.
Genome position (GRCh38, 1-based): chr4:54,698,325, A>G. VCF-style: chr4-54698325-A-G. GRCh37 (hg19) VCF-style: chr4-55564491-A-G.
Other names: c.379A>G, p.Lys127Glu (NM_001093772.2, NM_001385284.1, NM_001385285.1 and 4 more transcripts); short protein forms K127E.
Identifiers: ClinVar variation 2568310 (VCV002568310.2), dbSNP rs2475450464, ClinGen allele CA356897461.